The following is an entry in ClinVar:

NM_005228.5(EGFR):c.1766C>A (p.Pro589His)

Gene: EGFR (epidermal growth factor receptor; plus strand). Cytogenetic location: 7p11.2.
Variant type: single nucleotide variant.
Coding change: c.1766C>A on transcript NM_005228.5 (MANE Select); coding-DNA position 1766, C replaced by A.
Protein change: p.Pro589His; replaces proline 589 with histidine.
Molecular consequence: missense variant.
Genome position (GRCh38, 1-based): chr7:55,165,323, C>A. VCF-style: chr7-55165323-C-A. GRCh37 (hg19) VCF-style: chr7-55233016-C-A.
Other names: c.965C>A, p.Pro322His (NM_001346941.2); c.1766C>A, p.Pro589His (NM_201282.2, NM_201284.2, NM_001346898.2); c.1631C>A, p.Pro544His (NM_001346897.2, NM_001346899.2); c.1607C>A, p.Pro536His (NM_001346900.2); c.1766C>A (NM_005228.3); short protein forms P322H, P536H, P589H, P544H.
Identifiers: ClinVar variation 1500576 (VCV001500576.7), dbSNP rs751570775, ClinGen allele CA4265688.

ClinVar aggregate classification (germline): Uncertain significance. Review status: criteria provided, multiple submitters, no conflicts (2 of 4 stars). 2 submissions from 2 submitters: Uncertain significance (2). Last evaluated 2025-10-27.

Conditions:
Hereditary cancer-predisposing syndrome. Also called: Tumor predisposition; Hereditary neoplastic syndrome; Neoplastic Syndromes, Hereditary; Hereditary Cancer Syndrome. Identifiers: Orphanet 140162, MedGen C0027672, MeSH D009386, MONDO:0015356.
EGFR-related lung cancer (EGFR). Identifiers: MedGen CN130014.

Allele frequency attached by ClinVar (database versions not stated): gnomAD exomes 0.00001; ExAC 0.00002.
gnomAD v4.1: 5 of 1,614,050 alleles (0.00031%); highest among the groups gnomAD compares: Non-Finnish European, 0.00034%; no homozygotes.

Submissions (2):

Ambry Genetics
Classification: Uncertain significance for Hereditary cancer-predisposing syndrome. Last evaluated: 2025-10-27. Review status: criteria provided, single submitter. Criteria: Ambry Variant Classification Scheme 2023. Collection method: clinical testing. Allele origin: germline.
Comment: The p.P589H variant (also known as c.1766C>A), located in coding exon 15 of the EGFR gene, results from a C to A substitution at nucleotide position 1766. The proline at codon 589 is replaced by histidine, an amino acid with similar properties. This amino acid position is conserved. In addition, the in silico prediction for this alteration is inconclusive. Based on the available evidence, the clinical significance of this variant remains unclear.

Labcorp Genetics (formerly Invitae), Labcorp
Classification: Uncertain significance for EGFR-related lung cancer. Last evaluated: 2021-09-02. Review status: criteria provided, single submitter. Criteria: Invitae Variant Classification Sherloc (09022015). Collection method: clinical testing. Allele origin: germline.
Comment: In summary, the available evidence is currently insufficient to determine the role of this variant in disease. Therefore, it has been classified as a Variant of Uncertain Significance. Algorithms developed to predict the effect of missense changes on protein structure and function are either unavailable or do not agree on the potential impact of this missense change (SIFT: "Tolerated"; PolyPhen-2: "Possibly Damaging"; Align-GVGD: "Class C0"). This variant has not been reported in the literature in individuals affected with EGFR-related conditions. This variant is present in population databases (rs751570775, ExAC 0.005%). This sequence change replaces proline with histidine at codon 589 of the EGFR protein (p.Pro589His). The proline residue is moderately conserved and there is a moderate physicochemical difference between proline and histidine.